The following is an entry in ClinVar:

NM_015107.3(PHF8):c.1716G>A (p.Leu572=)

Gene: PHF8 (PHD finger protein 8; minus strand). Cytogenetic location: Xp11.22.
Variant type: single nucleotide variant.
Coding change: c.1716G>A on transcript NM_015107.3 (MANE Select); coding-DNA position 1716, G replaced by A.
Protein change: p.Leu572=; no amino-acid change (leucine 572 retained).
Molecular consequence: synonymous variant.
Genome position (GRCh38, 1-based): chrX:53,992,750, C>T on the plus strand (G>A on the coding strand, the complement: PHF8 is on the minus strand). VCF-style: chrX-53992750-C-T. GRCh37 (hg19) VCF-style: chrX-54019183-C-T.
Other names: c.1824G>A, p.Leu608= (NM_001441097.1, NM_001184896.1); c.1521G>A, p.Leu507= (NM_001441098.1, NM_001441096.1); c.1413G>A, p.Leu471= (NM_001184897.2); c.1716G>A, p.Leu572= (NM_001184898.2).
Identifiers: ClinVar variation 4874618 (VCV004874618.2).

ClinVar aggregate classification (germline): Likely benign (1 of 4 stars; one submission).

gnomAD v4.1: 5 of 1,179,340 alleles (0.00042%); highest among the groups gnomAD compares: South Asian, 0.0054%; no homozygotes.

Submission:

CeGaT Center for Human Genetics Tuebingen
Classification: Likely benign. Last evaluated: 2026-04-01. Review status: criteria provided, single submitter. Criteria: CeGaT Center For Human Genetics Tuebingen Variant Classification Criteria Version 2. Collection method: clinical testing. Allele origin: germline. Affected: yes. Observed: 1 variant allele.
Comment: PHF8: BP4, BS2